The following is an entry in ClinVar:

NM_004947.5(DOCK3):c.5407_5412+16del

Gene: DOCK3 (dedicator of cytokinesis 3; plus strand). Cytogenetic location: 3p21.2.
Variant type: Deletion.
Coding change: c.5407_5412+16del on transcript NM_004947.5 (MANE Select); coding-DNA position 5407 through 16 bases into the intron after coding-DNA position 5412, 22 bases deleted (GGACAGGTAATAGACCCACCAC).
Molecular consequence: splice donor variant.
Genome position (GRCh38, 1-based): chr3:51,374,582-51,374,603, GGACAGGTAATAGACCCACCAC deleted; deleting any 22 consecutive bases within chr3:51,374,580-51,374,603 gives the same sequence; the c. name uses the placement nearest the transcript's 3' end. VCF-style (leftmost placement, unchanged base first): chr3-51374579-AACGGACAGGTAATAGACCCACC-A. GRCh37 (hg19) VCF-style: chr3-51412010-AACGGACAGGTAATAGACCCACC-A.
Identifiers: ClinVar variation 2229428 (VCV002229428.2), dbSNP rs2549413632, ClinGen allele CA2580070133.

ClinVar aggregate classification (germline): Uncertain significance (1 of 4 stars; one submission).

Conditions:
Inborn genetic diseases. Identifiers: MedGen C0950123, MeSH D030342.

Submission:

Ambry Genetics
Classification: Uncertain significance for Inborn genetic diseases. Last evaluated: 2021-03-08. Review status: criteria provided, single submitter. Criteria: Ambry Variant Classification Scheme 2023. Collection method: clinical testing. Allele origin: germline.
Comment: The c.5407_5412+16del22 variant results from a deletion of 22 nucleotides between positions c.5407 and c.5412+16 and involves the canonical splice donor site after coding exon 50 of the DOCK3 gene. The exact functional effect of this alteration is unknown. The canonical splice donor site is highly conserved in available vertebrate species. In silico analysis predicts that this alteration will abolish the native splice donor site and may result in the creation or strengthening of a novel splice donor site; however, direct evidence is unavailable. Based on insufficient or conflicting evidence, the clinical significance of this alteration remains unclear.